The following is an entry in ClinVar:

NM_002485.5(NBN):c.1134T>G (p.Ser378Arg)

Gene: NBN (nibrin; minus strand). Cytogenetic location: 8q21.3.
Variant type: single nucleotide variant.
Coding change: c.1134T>G on transcript NM_002485.5 (MANE Select); coding-DNA position 1134, T replaced by G.
Protein change: p.Ser378Arg; replaces serine 378 with arginine.
Molecular consequence: missense variant.
Genome position (GRCh38, 1-based): chr8:89,955,546, A>C on the plus strand (T>G on the coding strand, the complement: NBN is on the minus strand). VCF-style: chr8-89955546-A-C. GRCh37 (hg19) VCF-style: chr8-90967774-A-C.
Other names: c.888T>G, p.Ser296Arg (NM_001024688.3); short protein forms S296R, S378R.
Identifiers: ClinVar variation 1729440 (VCV001729440.3), dbSNP rs2488245826, ClinGen allele CA371656522.

ClinVar aggregate classification (germline): Uncertain significance (1 of 4 stars; one submission).

Conditions:
Hereditary cancer-predisposing syndrome. Also called: Neoplastic Syndromes, Hereditary; Tumor predisposition; Hereditary Cancer Syndrome; Hereditary neoplastic syndrome. Identifiers: Orphanet 140162, MedGen C0027672, MeSH D009386, MONDO:0015356.

gnomAD v4.1: 2 of 1,613,068 alleles (0.00012%); highest among the groups gnomAD compares: Non-Finnish European, 0.00017%; no homozygotes.

Submission:

Ambry Genetics
Classification: Uncertain significance for Hereditary cancer-predisposing syndrome. Last evaluated: 2023-06-13. Review status: criteria provided, single submitter. Criteria: Ambry Variant Classification Scheme 2023. Collection method: clinical testing. Allele origin: germline.
Comment: The p.S378R variant (also known as c.1134T>G), located in coding exon 10 of the NBN gene, results from a T to G substitution at nucleotide position 1134. The serine at codon 378 is replaced by arginine, an amino acid with dissimilar properties. This amino acid position is highly conserved in available vertebrate species. In addition, this alteration is predicted to be tolerated by in silico analysis. Since supporting evidence is limited at this time, the clinical significance of this alteration remains unclear.